The following is an entry in ClinVar:

ClinVar aggregate classification (germline): Uncertain significance (1 of 4 stars; one submission).

Allele frequency attached by ClinVar (database versions not stated): gnomAD 0.00001; TOPMed 0.00001.
gnomAD v4.1: 26 of 1,613,828 alleles (0.0016%); highest among the groups gnomAD compares: Non-Finnish European, 0.0022%; no homozygotes.

Submission:

Labcorp Genetics (formerly Invitae), Labcorp
Classification: Uncertain significance. Last evaluated: 2025-09-25. Review status: criteria provided, single submitter. Criteria: Invitae Variant Classification Sherloc (09022015). Collection method: clinical testing. Allele origin: germline.
Comment: This sequence change replaces proline, which is neutral and non-polar, with arginine, which is basic and polar, at codon 101 of the POLG2 protein (p.Pro101Arg). This variant is not present in population databases (gnomAD no frequency). This variant has not been reported in the literature in individuals affected with POLG2-related conditions. ClinVar contains an entry for this variant (Variation ID: 2055727). An algorithm developed to predict the effect of missense changes on protein structure and function (PolyPhen-2) suggests that this variant is likely to be disruptive. In summary, the available evidence is currently insufficient to determine the role of this variant in disease. Therefore, it has been classified as a Variant of Uncertain Significance.

NM_007215.4(POLG2):c.302C>G (p.Pro101Arg)

Genes: MILR1 (mast cell immunoglobulin like receptor 1; plus strand), POLG2 (DNA polymerase gamma 2, accessory subunit; minus strand). Cytogenetic location: 17q23.3.
Variant type: single nucleotide variant.
Coding change: c.302C>G on transcript NM_007215.4 (MANE Select); coding-DNA position 302, C replaced by G.
Protein change: p.Pro101Arg; replaces proline 101 with arginine.
Molecular consequence: missense variant.
Genome position (GRCh38, 1-based): chr17:64,496,667, G>C on the plus strand (C>G on the coding strand, the complement: POLG2 is on the minus strand). VCF-style: chr17-64496667-G-C. GRCh37 (hg19) VCF-style: chr17-62492785-G-C.
Other names: short protein forms P101R.
Identifiers: ClinVar variation 2055727 (VCV002055727.4), dbSNP rs1383835648, ClinGen allele CA400641217.